The following is an entry in ClinVar:

NM_015512.5(DNAH1):c.6982A>G (p.Ile2328Val)

Gene: DNAH1 (dynein axonemal heavy chain 1; plus strand). Cytogenetic location: 3p21.1.
Variant type: single nucleotide variant.
Coding change: c.6982A>G on transcript NM_015512.5 (MANE Select); coding-DNA position 6982, A replaced by G.
Protein change: p.Ile2328Val; replaces isoleucine 2328 with valine.
Molecular consequence: missense variant.
Genome position (GRCh38, 1-based): chr3:52,373,050, A>G. VCF-style: chr3-52373050-A-G. GRCh37 (hg19) VCF-style: chr3-52407066-A-G.
Other names: short protein forms I2328V.
Identifiers: ClinVar variation 478483 (VCV000478483.5), dbSNP rs377326562, ClinGen allele CA2434707.

ClinVar aggregate classification (germline): Uncertain significance (1 of 4 stars; one submission).

Conditions:
Spermatogenic failure 18. Identifiers: MedGen C4539783, MONDO:0054615, OMIM 617576.
Ciliary dyskinesia, primary, 37 (CILD37). Also called: CILIARY DYSKINESIA, PRIMARY, 37, WITH OR WITHOUT SITUS INVERSUS. Identifiers: MedGen C4539798, MONDO:0033204, OMIM 617577.

Allele frequency attached by ClinVar (database versions not stated): gnomAD exomes below 0.00001; ExAC 0.00001; gnomAD 0.00001 and 0.00002; TOPMed 0.00001; ESP Exome Variant Server 0.00008.
gnomAD v4.1: 4 of 1,610,392 alleles (0.00025%); highest among the groups gnomAD compares: Admixed American, 0.0033%; no homozygotes.

Submission:

Labcorp Genetics (formerly Invitae), Labcorp
Classification: Uncertain significance for Ciliary dyskinesia, primary, 37; Spermatogenic failure 18. Last evaluated: 2023-08-10. Review status: criteria provided, single submitter. Criteria: Invitae Variant Classification Sherloc (09022015). Collection method: clinical testing. Allele origin: germline.
Comment: This sequence change replaces isoleucine, which is neutral and non-polar, with valine, which is neutral and non-polar, at codon 2328 of the DNAH1 protein (p.Ile2328Val). This variant is present in population databases (rs377326562, gnomAD 0.003%). This variant has not been reported in the literature in individuals affected with DNAH1-related conditions. Advanced modeling of protein sequence and biophysical properties (such as structural, functional, and spatial information, amino acid conservation, physicochemical variation, residue mobility, and thermodynamic stability) performed at Invitae indicates that this missense variant is not expected to disrupt DNAH1 protein function. In summary, the available evidence is currently insufficient to determine the role of this variant in disease. Therefore, it has been classified as a Variant of Uncertain Significance. ClinVar contains an entry for this variant (Variation ID: 478483).